The following is an entry in ClinVar:

ClinVar aggregate classification (germline): Uncertain significance (1 of 4 stars; one submission).

Conditions:
Amyotrophic lateral sclerosis type 1 (ALS1). Also called: AMYOTROPHIC LATERAL SCLEROSIS 1, FAMILIAL. Identifiers: Orphanet 803, MedGen C1862939, MONDO:0007103, OMIM 105400.
Perry syndrome. Also called: PARKINSONISM WITH ALVEOLAR HYPOVENTILATION AND MENTAL DEPRESSION. Identifiers: Orphanet 178509, MedGen C1868594, MONDO:0008201, OMIM 168605.
Neuronopathy, distal hereditary motor, type 7B. Also called: NEURONOPATHY, DISTAL HEREDITARY MOTOR, AUTOSOMAL DOMINANT 14; NEURONOPATHY, DISTAL HEREDITARY MOTOR, HARDING TYPE VIIB; NEUROPATHY, DISTAL HEREDITARY MOTOR, HARDING TYPE VIIB; NEUROPATHY, DISTAL HEREDITARY MOTOR, WITH VOCAL CORD PARALYSIS, HARDING TYPE VIIB; Distal Hereditary Motor Neuronopathy Type 7B (dHMN7B); HMN VIIB. Identifiers: Orphanet 139589, MedGen C1843315, MONDO:0011879, OMIM 607641.

gnomAD v4.1: 1 of 1,613,654 alleles (0.000062%); no homozygotes.

Submission:

Labcorp Genetics (formerly Invitae), Labcorp
Classification: Uncertain significance for Amyotrophic lateral sclerosis type 1; Neuronopathy, distal hereditary motor, type 7B; Perry syndrome. Last evaluated: 2021-01-20. Review status: criteria provided, single submitter. Criteria: Invitae Variant Classification Sherloc (09022015). Collection method: clinical testing. Allele origin: germline.
Comment: This variant is not present in population databases (ExAC no frequency). This variant has not been reported in the literature in individuals with DCTN1-related conditions. Algorithms developed to predict the effect of missense changes on protein structure and function are either unavailable or do not agree on the potential impact of this missense change (SIFT: "Deleterious"; PolyPhen-2: "Benign"; Align-GVGD: "Class C65"). In summary, the available evidence is currently insufficient to determine the role of this variant in disease. Therefore, it has been classified as a Variant of Uncertain Significance. This sequence change replaces threonine with arginine at codon 1166 of the DCTN1 protein (p.Thr1166Arg). The threonine residue is highly conserved and there is a moderate physicochemical difference between threonine and arginine.

NM_004082.5(DCTN1):c.3497C>G (p.Thr1166Arg)

Gene: DCTN1 (dynactin subunit 1; minus strand). Cytogenetic location: 2p13.1.
Variant type: single nucleotide variant.
Coding change: c.3497C>G on transcript NM_004082.5 (MANE Select); coding-DNA position 3497, C replaced by G.
Protein change: p.Thr1166Arg; replaces threonine 1166 with arginine.
Molecular consequence: missense variant. On other transcripts: non-coding transcript variant (1).
Genome position (GRCh38, 1-based): chr2:74,363,026, G>C on the plus strand (C>G on the coding strand, the complement: DCTN1 is on the minus strand). VCF-style: chr2-74363026-G-C. GRCh37 (hg19) VCF-style: chr2-74590153-G-C.
Other names: c.3422C>G, p.Thr1141Arg (NM_001135040.3); c.3080C>G, p.Thr1027Arg (NM_001135041.3); c.3371C>G, p.Thr1124Arg (NM_001190836.2); c.3476C>G, p.Thr1159Arg (NM_001190837.2); c.3446C>G, p.Thr1149Arg (NM_001378991.1); c.3428C>G, p.Thr1143Arg (NM_001378992.1); c.3095C>G, p.Thr1032Arg (NM_023019.4); short protein forms T1027R, T1032R, T1143R, T1166R, T1149R, T1124R, T1141R, T1159R.
Identifiers: ClinVar variation 1404600 (VCV001404600.8), dbSNP rs376549770, ClinGen allele CA50474239.
Genomic context (GRCh38, chr2:74,363,026, plus strand): 5'-TTCATCTTGGGGGTTGGCAGGTACATACCAGGGCTGGTGCGAGTGATGTCTACTACGTGC[G>C]TGTGTGTGCTCAATTGATTCAATGTCTCCAGCAGCTGGCTGGTCTTACGATACAGCGCTC-3'
Protein context (NP_004073.2, residues 1156-1176): LETLNQLSTH[Thr1166Arg]HVVDITRTSP